The following is an entry in ClinVar:

ClinVar aggregate classification (germline): Uncertain significance (1 of 4 stars; one submission).

Conditions:
Cardiovascular phenotype. Identifiers: MedGen CN230736.

Submission:

Ambry Genetics
Classification: Uncertain significance for Cardiovascular phenotype. Last evaluated: 2019-06-13. Review status: criteria provided, single submitter. Criteria: Ambry Variant Classification Scheme 2023. Collection method: clinical testing. Allele origin: germline.
Comment: The c.3493+1G>A intronic variant results from a G to A substitution one nucleotide after coding exon 16 of the MYPN gene. This nucleotide position is highly conserved in available vertebrate species. Using the BDGP and ESEfinder splice site prediction tools, this alteration is predicted to abolish the native splice donor site; however, direct evidence is unavailable. Alterations that disrupt the canonical splice site are expected to cause aberrant splicing, resulting in an abnormal protein or a transcript that is subject to nonsense-mediated mRNA decay. However, loss of function of MYPN has not been clearly established as a mechanism of disease. Since supporting evidence is limited at this time, the clinical significance of this alteration remains unclear.

NM_032578.4(MYPN):c.3493+1G>A

Gene: MYPN (myopalladin; plus strand). Cytogenetic location: 10q21.3.
Variant type: single nucleotide variant.
Coding change: c.3493+1G>A on transcript NM_032578.4 (MANE Select); the canonical splice donor site of the intron after coding-DNA position 3493, G replaced by A.
Molecular consequence: splice donor variant.
Genome position (GRCh38, 1-based): chr10:68,199,576, G>A. VCF-style: chr10-68199576-G-A. GRCh37 (hg19) VCF-style: chr10-69959333-G-A.
Other names: c.3493+1G>A (NM_001256267.2); c.2611+1G>A (NM_001256268.2).
Identifiers: ClinVar variation 1731957 (VCV001731957.2), dbSNP rs112317753, ClinGen allele CA376859472.
Genomic context (GRCh38, chr10:68,199,576, plus strand): 5'-AGTGCATCGCTACCAACAAAACCGGGCAGAATTCTTTTAGTCTGGAGCTCTCTGTAGTAG[G>A]TAAGGTTTGCTGCTGGGACCCCTAAACACAACTTCCTCCAAAGTCATTACCCAAAGAGGC-3'